The following is an entry in ClinVar:

ClinVar aggregate classification (germline): Uncertain significance (1 of 4 stars; one submission).

Submission:

Labcorp Genetics (formerly Invitae), Labcorp
Classification: Uncertain significance. Last evaluated: 2023-08-04. Review status: criteria provided, single submitter. Criteria: Invitae Variant Classification Sherloc (09022015). Collection method: clinical testing. Allele origin: germline.
Comment: An algorithm developed to predict the effect of missense changes on protein structure and function (PolyPhen-2) suggests that this variant is likely to be tolerated. ClinVar contains an entry for this variant (Variation ID: 1927316). This variant has not been reported in the literature in individuals affected with PLD1-related conditions. The frequency data for this variant in the population databases is considered unreliable, as metrics indicate poor data quality at this position in the gnomAD database. In summary, the available evidence is currently insufficient to determine the role of this variant in disease. Therefore, it has been classified as a Variant of Uncertain Significance. This sequence change replaces arginine, which is basic and polar, with histidine, which is basic and polar, at codon 628 of the PLD1 protein (p.Arg628His).

NM_002662.5(PLD1):c.1883_1884inv (p.Arg628His)

Gene: PLD1 (phospholipase D1; minus strand). Cytogenetic location: 3q26.31.
Variant type: Inversion.
Coding change: c.1883_1884inv on transcript NM_002662.5 (MANE Select).
Protein change: p.Arg628His; replaces arginine 628 with histidine.
Molecular consequence: missense variant.
Genome position: GRCh38 VCF-style: chr3-171677678-AC-GT. GRCh37 (hg19) VCF-style: chr3-171395468-AC-GT.
Other names: c.1769_1770inv, p.Arg590His (NM_001130081.3); short protein forms R590H, R628H.
Identifiers: ClinVar variation 1927316 (VCV001927316.5), ClinGen allele CA2580069080.
Genomic context (GRCh38, chr3:171,677,678, plus strand): 5'-GTCCTTTCCATGCCAGAATCTGGTTTCCCCATGCAGCTCTCCCACACCTGTCTGTAAACT[AC>GT]GGATGGACCCGGTATCTGTGAATGCAGCAAGACCCCCTCAGAGACTGTGGTTCAGGTGAG-3'
Protein context (NP_002653.1, residues 618-638): TRPHADTGSI[Arg628His]SLQTGVGELH